The following is an entry in ClinVar:

ClinVar aggregate classification (germline): Benign/Likely benign. Review status: criteria provided, multiple submitters, no conflicts (2 of 4 stars). 15 submissions from 15 submitters: Benign (3); Likely benign (10). 2 of the submissions do not count toward it. Last evaluated 2026-07-01.

Conditions:
Cardiovascular phenotype. Identifiers: MedGen CN230736.
Glycogen storage disease, type II (IOPD). Also called: CARDIOMEGALIA GLYCOGENICA DIFFUSA; GLYCOGENOSIS, GENERALIZED, CARDIAC FORM; GSD II; Glucosidase acid-1,4-alpha deficiency; Pompe Disease; POMPE DISEASE, INFANTILE-ONSET. Identifiers: Orphanet 365, MedGen C0017921, MONDO:0009290, OMIM 232300.

Allele frequency attached by ClinVar (database versions not stated): gnomAD exomes 0.00024 and 0.00066; ExAC 0.00089; gnomAD 0.00273 and 0.00292; 1000 Genomes Project 0.00280; TOPMed 0.00301; 1000 Genomes Project 30x 0.00312; ESP Exome Variant Server 0.00323.
gnomAD v4.1: 775 of 1,611,838 alleles (0.048%); highest among the groups gnomAD compares: African/African-American, 0.9%; 3 homozygotes.

Submissions (15):

CeGaT Center for Human Genetics Tuebingen
Classification: Likely benign. Last evaluated: 2026-07-01. Review status: criteria provided, single submitter. Criteria: CeGaT Center For Human Genetics Tuebingen Variant Classification Criteria Version 2. Collection method: clinical testing. Allele origin: germline. Affected: yes. Observed: 1 variant allele.
Comment: GAA: BP4

Genomenon, Inc
Classification: Likely benign for Glycogen storage disease, type II. Last evaluated: 2026-07-01. Review status: criteria provided, single submitter. Criteria: Genomenon Sequence Variant Interpretation Standards - Updated. Collection method: curation. Allele origin: germline. Affected: no.
Comment: GAA p.Ser306Leu (c.917C>T) is a missense variant that changes the amino acid at codon 306 from Serine to Leucine. This variant has been reported in the published literature (PMID:22252923). In silico models predict that this variant is not damaging. This variant’s allele frequency in gnomAD is greater than expected for this disorder. In conclusion, we classify GAA p.Ser306Leu (c.917C>T) as a likely benign variant.

Labcorp Genetics (formerly Invitae), Labcorp
Classification: Benign for Glycogen storage disease, type II. Last evaluated: 2026-02-01. Review status: criteria provided, single submitter. Criteria: Invitae Variant Classification Sherloc (09022015). Collection method: clinical testing. Allele origin: germline.

ARUP Laboratories, Molecular Genetics and Genomics, ARUP Laboratories
Classification: Likely benign for Glycogen storage disease, type II. Last evaluated: 2025-06-25. Review status: criteria provided, single submitter. Criteria: ARUP Molecular Germline Variant Investigation Process 2024. Collection method: clinical testing. Allele origin: germline.

Mayo Clinic Laboratories, Mayo Clinic
Classification: Likely benign. Last evaluated: 2025-03-31. Review status: criteria provided, single submitter. Criteria: ACMG Guidelines, 2015. Collection method: clinical testing. Allele origin: germline. Observed: 8 variant alleles.
Comment: BS1, BP4

Ambry Genetics
Classification: Benign for Cardiovascular phenotype. Last evaluated: 2025-02-07. Review status: criteria provided, single submitter. Criteria: Ambry Variant Classification Scheme 2023. Collection method: clinical testing. Allele origin: germline.

Blueprint Genetics
Classification: Likely benign. Last evaluated: 2024-09-18. Review status: criteria provided, single submitter. Criteria: ACMG Guidelines, 2015. Collection method: clinical testing. Allele origin: germline.

Women's Health and Genetics/Laboratory Corporation of America, LabCorp
Classification: Likely benign. Last evaluated: 2022-01-15. Review status: criteria provided, single submitter. Criteria: LabCorp Variant Classification Summary - May 2015. Collection method: clinical testing. Allele origin: germline.
Comment: Variant summary: GAA c.917C>T (p.Ser306Leu) results in a non-conservative amino acid change in the encoded protein sequence. Four of five in-silico tools predict a benign effect of the variant on protein function. The variant allele was found at a frequency of 0.00066 in 245226 control chromosomes, predominantly at a frequency of 0.0091 within the African or African-American subpopulation in the gnomAD database, including 2 homozygotes. The observed variant frequency within African or African-American control individuals in the gnomAD database is approximately 2 fold of the estimated maximal expected allele frequency for a pathogenic variant in GAA causing Glycogen Storage Disease, Type 2 (Pompe Disease) phenotype (0.0042), strongly suggesting that the variant is a benign polymorphism found primarily in populations of African or African-American origin. c.917C>T has been reported in the literature as a benign variant in individuals affected with Glycogen Storage Disease, Type 2 (Pompe Disease) (example Bali_2012). These report(s) do not provide unequivocal conclusions about association of the variant with Glycogen Storage Disease, Type 2 (Pompe Disease). To our knowledge, no experimental evidence demonstrating an impact on protein function has been reported. Five clinical diagnostic laboratories have submitted clinical-significance assessments for this variant to ClinVar after 2014 without evidence for independent evaluation and a predominant consensus as benign/likely benign (n=4). Based on the evidence outlined above, the variant was classified as likely benign.

Genome-Nilou Lab
Classification: Likely benign for Glycogen storage disease, type II. Last evaluated: 2021-07-22. Review status: criteria provided, single submitter. Criteria: ACMG Guidelines, 2015. Collection method: clinical testing. Allele origin: germline. Affected: no.

GeneDx
Classification: Likely benign. Last evaluated: 2021-03-04. Review status: criteria provided, single submitter. Criteria: GeneDx Variant Classification Process June 2021. Collection method: clinical testing. Allele origin: germline. Affected: yes.
Comment: This variant is associated with the following publications: (PMID: 22252923)

Broad Center for Mendelian Genomics, Broad Institute of MIT and Harvard
Classification: Likely benign for Glycogen storage disease, type II. Last evaluated: 2020-01-22. Review status: criteria provided, single submitter. Criteria: ACMG Guidelines, 2015. Collection method: curation. Allele origin: germline. Inheritance: Autosomal recessive inheritance.
Comment: This variant has been seen in the general population at a greater frequency than expected for Glycogen Storage Disease II and is consistent with a benign role. This variant has also been reported as a benign variant (by Invitae and EGL), likely benign variant (by GeneDx and PreventionGenetics), and VUS (by University of Chicago) in ClinVar (Variation ID: 197633). Computational prediction tools and conservation analyses suggest that this variant may not impact the protein, though this information is not predictive enough to rule out pathogenicity. In summary, although additional studies are required to fully establish its clinical significance, this variant is likely benign. ACMG/AMP Criteria applied: BS1, BP4 (Richards 2015).

Eurofins Ntd Llc (ga)
Classification: Benign. Last evaluated: 2014-05-28. Review status: criteria provided, single submitter. Criteria: EGL Classification Definitions 2015. Collection method: clinical testing. Allele origin: germline. Observed: 3 variant alleles, 3 heterozygotes.

PreventionGenetics, part of Exact Sciences
Classification: Likely benign. Review status: criteria provided, single submitter. Criteria: ACMG Guidelines, 2015. Collection method: clinical testing. Allele origin: germline.

Natera, Inc.
Classification: Likely benign for Glycogen storage disease type II. Last evaluated: 2020-01-17. Review status: no assertion criteria provided. Collection method: clinical testing. Allele origin: germline. Not counted in ClinVar's aggregate classification.

Genetic Services Laboratory, University of Chicago
Classification: Uncertain significance. Last evaluated: 2014-04-29. Review status: flagged submission. Criteria: ACMG Guidelines, 2007. Collection method: clinical testing. Allele origin: germline. Not counted in ClinVar's aggregate classification.
ClinVar note: Reason: Older and outlier claim with insufficient supporting evidence

Literature cited by the submitters: PubMed 22252923 (cited by 4 submitters).

NM_000152.5(GAA):c.917C>T (p.Ser306Leu)

Gene: GAA (alpha glucosidase; plus strand). Cytogenetic location: 17q25.3.
Variant type: single nucleotide variant.
Coding change: c.917C>T on transcript NM_000152.5 (MANE Select); coding-DNA position 917, C replaced by T.
Protein change: p.Ser306Leu; replaces serine 306 with leucine.
Molecular consequence: missense variant.
Genome position (GRCh38, 1-based): chr17:80,107,858, C>T. VCF-style: chr17-80107858-C-T. GRCh37 (hg19) VCF-style: chr17-78081657-C-T.
Other names: c.917C>T (LRG_673t1, NM_000152.4); c.917C>T, p.Ser306Leu (NM_001079803.3, NM_001079804.3); short protein forms S306L.
Identifiers: ClinVar variation 197633 (VCV000197633.40), dbSNP rs138097673, ClinGen allele CA202989.
Genomic context (GRCh38, chr17:80,107,858, plus strand): 5'-AGCCCGGTGCGAACCTCTACGGGTCTCACCCTTTCTACCTGGCGCTGGAGGACGGCGGGT[C>T]GGCACACGGGGTGTTCCTGCTAAACAGCAATGCCATGGGTAAGCTGCCCGCCGCCCAGCG-3'
Protein context (NP_000143.2, residues 296-316): PFYLALEDGG[Ser306Leu]AHGVFLLNSN